The following is an entry in ClinVar:

NM_003482.4(KMT2D):c.10472G>A (p.Arg3491His)

Gene: KMT2D (lysine methyltransferase 2D; minus strand). Cytogenetic location: 12q13.12.
Variant type: single nucleotide variant.
Coding change: c.10472G>A on transcript NM_003482.4 (MANE Select); coding-DNA position 10472, G replaced by A.
Protein change: p.Arg3491His; replaces arginine 3491 with histidine.
Molecular consequence: missense variant.
Genome position (GRCh38, 1-based): chr12:49,034,445, C>T on the plus strand (G>A on the coding strand, the complement: KMT2D is on the minus strand). VCF-style: chr12-49034445-C-T. GRCh37 (hg19) VCF-style: chr12-49428228-C-T.
Other names: c.10472G>A (NM_003482.3); short protein forms R3491H.
Identifiers: ClinVar variation 1205960 (VCV001205960.13), dbSNP rs757247893, ClinGen allele CA6546494.

ClinVar aggregate classification (germline): Benign/Likely benign. Review status: criteria provided, multiple submitters, no conflicts (2 of 4 stars). 5 submissions from 5 submitters: Benign (1); Likely benign (1). 3 of the submissions do not count toward it. Last evaluated 2025-10-22.

Conditions:
Choanal atresia-athelia-hypothyroidism-delayed puberty-short stature syndrome (BCAHH). Also called: BRANCHIAL ARCH ABNORMALITIES, CHOANAL ATRESIA, ATHELIA, HEARING LOSS, AND HYPOTHYROIDISM SYNDROME. Identifiers: Orphanet 589856, MedGen C5680310, MONDO:0035651, OMIM 620186.
Kabuki syndrome 1 (KABUK1). Also called: KMT2D-Related Kabuki Syndrome. Identifiers: Orphanet 2322, MedGen CN030661, MONDO:0007843, OMIM 147920.
KMT2D-related disorder. Also called: KMT2D-Related Disorders.
Kabuki syndrome. Also called: NIIKAWA-KUROKI SYNDROME; Kabuki make-up syndrome. Identifiers: Orphanet 2322, MedGen C0796004, MONDO:0016512.

Allele frequency attached by ClinVar (database versions not stated): ExAC 0.00004; gnomAD exomes 0.00005.
gnomAD v4.1: 60 of 1,613,624 alleles (0.0037%); highest among the groups gnomAD compares: Admixed American, 0.015%; no homozygotes.

Submissions (5):

Labcorp Genetics (formerly Invitae), Labcorp
Classification: Benign for Kabuki syndrome. Last evaluated: 2025-10-22. Review status: criteria provided, single submitter. Criteria: Invitae Variant Classification Sherloc (09022015). Collection method: clinical testing. Allele origin: germline.

Fulgent Genetics
Classification: Likely benign for Kabuki syndrome 1; Choanal atresia-athelia-hypothyroidism-delayed puberty-short stature syndrome. Last evaluated: 2024-06-20. Review status: criteria provided, single submitter. Criteria: ACMG Guidelines, 2015. Collection method: clinical testing. Allele origin: germline.

PreventionGenetics, part of Exact Sciences
Classification: Likely benign for KMT2D-related condition. Last evaluated: 2023-06-07. Review status: no assertion criteria provided. Collection method: clinical testing. Allele origin: germline. Not counted in ClinVar's aggregate classification.
Comment: This variant is classified as likely benign based on ACMG/AMP sequence variant interpretation guidelines (Richards et al. 2015 PMID: 25741868, with internal and published modifications).

Clinical Genetics DNA and cytogenetics Diagnostics Lab, Erasmus MC, Erasmus Medical Center
Classification: Uncertain significance. Review status: no assertion criteria provided. Collection method: clinical testing. Allele origin: germline. Affected: yes. Study: VKGL Data-share Consensus. Not counted in ClinVar's aggregate classification.

Laboratory of Diagnostic Genome Analysis, Leiden University Medical Center (LUMC)
Classification: Uncertain significance. Review status: no assertion criteria provided. Collection method: clinical testing. Allele origin: germline. Affected: yes. Study: VKGL Data-share Consensus. Not counted in ClinVar's aggregate classification.